The following is an entry in ClinVar:

ClinVar aggregate classification (germline): Likely benign. Review status: criteria provided, multiple submitters, no conflicts (2 of 4 stars). 3 submissions from 3 submitters: Likely benign (2). 1 of the submissions does not count toward it. Last evaluated 2025-11-10.

Conditions:
DIS3L2-related disorder. Also called: DIS3L2-related condition.
Perlman syndrome (PRLMNS). Identifiers: Orphanet 2849, MedGen C0796113, MONDO:0009965, OMIM 267000.

Allele frequency attached by ClinVar (database versions not stated): gnomAD exomes 0.00008; ExAC 0.00011; gnomAD 0.00013 and 0.00014; TOPMed 0.00014; ESP Exome Variant Server 0.00017.
gnomAD v4.1: 323 of 1,613,954 alleles (0.02%); highest among the groups gnomAD compares: Middle Eastern, 0.033%; no homozygotes.

Submissions (3):

Labcorp Genetics (formerly Invitae), Labcorp
Classification: Likely benign for Perlman syndrome. Last evaluated: 2025-11-10. Review status: criteria provided, single submitter. Criteria: Invitae Variant Classification Sherloc (09022015). Collection method: clinical testing. Allele origin: germline.

Sema4
Classification: Likely benign for Perlman syndrome. Last evaluated: 2022-01-25. Review status: criteria provided, single submitter. Criteria: Sema4 Curation Guidelines. Collection method: curation. Allele origin: germline.

PreventionGenetics, part of Exact Sciences
Classification: Likely benign for DIS3L2-related condition. Last evaluated: 2023-04-11. Review status: no assertion criteria provided. Collection method: clinical testing. Allele origin: germline. Not counted in ClinVar's aggregate classification.
Comment: This variant is classified as likely benign based on ACMG/AMP sequence variant interpretation guidelines (Richards et al. 2015 PMID: 25741868, with internal and published modifications).

NM_152383.5(DIS3L2):c.963G>A (p.Lys321=)

Gene: DIS3L2 (DIS3 like 3'-5' exoribonuclease 2; plus strand). Cytogenetic location: 2q37.1.
Variant type: single nucleotide variant.
Coding change: c.963G>A on transcript NM_152383.5 (MANE Select); coding-DNA position 963, G replaced by A.
Protein change: p.Lys321=; no amino-acid change (lysine 321 retained).
Molecular consequence: synonymous variant. On other transcripts: non-coding transcript variant (2).
Genome position (GRCh38, 1-based): chr2:232,163,471, G>A. VCF-style: chr2-232163471-G-A. GRCh37 (hg19) VCF-style: chr2-233028181-G-A.
Other names: c.963G>A, p.Lys321= (NM_001257281.2).
Identifiers: ClinVar variation 416352 (VCV000416352.14), dbSNP rs368863176, ClinGen allele CA2163989.
Genomic context (GRCh38, chr2:232,163,471, plus strand): 5'-TTCCATTTGTTTGCTAACCCAGTTATTCCGTTTCTGTTCTATCCATAGGCAGCTGGCTAA[G>A]AGTCTTGGGCAGGCTGGTGAAATTGAGCCTGAAACAGAAGGAATACTAACAGAGTATGGC-3'
Protein context (NP_689596.4, residues 311-331): DCNFALGQLA[Lys321=]SLGQAGEIEP